The following is an entry in ClinVar:

NM_006080.3(SEMA3A):c.1711C>G (p.His571Asp)

Gene: SEMA3A (semaphorin 3A; minus strand). Cytogenetic location: 7q21.11.
Variant type: single nucleotide variant.
Coding change: c.1711C>G on transcript NM_006080.3 (MANE Select); coding-DNA position 1711, C replaced by G.
Protein change: p.His571Asp; replaces histidine 571 with aspartic acid.
Molecular consequence: missense variant.
Genome position (GRCh38, 1-based): chr7:83,977,138, G>C on the plus strand (C>G on the coding strand, the complement: SEMA3A is on the minus strand). VCF-style: chr7-83977138-G-C. GRCh37 (hg19) VCF-style: chr7-83606454-G-C.
Other names: short protein forms H571D.
Identifiers: ClinVar variation 3358122 (VCV003358122.2).

ClinVar aggregate classification (germline): Uncertain significance. Review status: criteria provided, single submitter (1 of 4 stars). 2 submissions from 2 submitters: Uncertain significance (1). 1 of the submissions does not count toward it. Last evaluated 2024-11-08.

Conditions:
SEMA3A-related disorder. Also called: SEMA3A-related condition.
Inborn genetic diseases. Identifiers: MedGen C0950123, MeSH D030342.

gnomAD v4.1: 4 of 1,559,814 alleles (0.00026%); highest among the groups gnomAD compares: Admixed American, 0.0054%; no homozygotes.

Submissions (2):

Ambry Genetics
Classification: Uncertain significance for Inborn genetic diseases. Last evaluated: 2024-11-08. Review status: criteria provided, single submitter. Criteria: Ambry Variant Classification Scheme 2023. Collection method: clinical testing. Allele origin: germline.

PreventionGenetics, part of Exact Sciences
Classification: Uncertain significance for SEMA3A-related condition. Last evaluated: 2024-05-17. Review status: no assertion criteria provided. Collection method: clinical testing. Allele origin: germline. Not counted in ClinVar's aggregate classification.
Comment: The SEMA3A c.1711C>G variant is predicted to result in the amino acid substitution p.His571Asp. To our knowledge, this variant has not been reported in the literature. This variant is reported in 0.0068% of alleles in individuals of Latino descent in gnomAD. At this time, the clinical significance of this variant is uncertain due to the absence of conclusive functional and genetic evidence.